The following is an entry in ClinVar:

ClinVar aggregate classification (germline): Uncertain significance. Review status: criteria provided, multiple submitters, no conflicts (2 of 4 stars). 2 submissions from 2 submitters: Uncertain significance (2). Last evaluated 2025-09-12.

Conditions:
FGF3-related disorder. Also called: FGF3-related condition.

gnomAD v4.1: 78 of 1,575,532 alleles (0.005%); highest among the groups gnomAD compares: Non-Finnish European, 0.0062%; no homozygotes.

Submissions (2):

PreventionGenetics, part of Exact Sciences
Classification: Uncertain significance for FGF3-related condition. Last evaluated: 2025-09-12. Review status: criteria provided, single submitter. Criteria: ACMG Guidelines, 2015. Collection method: clinical testing. Allele origin: germline.
Comment: The FGF3 c.325G>A variant is predicted to result in the amino acid substitution p.Glu109Lys. To our knowledge, this variant has not been reported in the literature. This variant is reported in 0.0032% of alleles in individuals of Latino descent in gnomAD. At this time, the clinical significance of this variant is uncertain due to the absence of conclusive functional and genetic evidence.

GeneDx
Classification: Uncertain significance. Last evaluated: 2025-05-20. Review status: criteria provided, single submitter. Criteria: GeneDx Variant Classification Process June 2021. Collection method: clinical testing. Allele origin: germline. Affected: yes.
Comment: In silico analysis supports a deleterious effect on splicing; In silico analysis suggests that this missense variant does not alter protein structure/function; Has not been previously published as pathogenic or benign to our knowledge

NM_005247.4(FGF3):c.325G>A (p.Glu109Lys)

Gene: FGF3 (fibroblast growth factor 3; minus strand). Cytogenetic location: 11q13.3.
Variant type: single nucleotide variant.
Coding change: c.325G>A on transcript NM_005247.4 (MANE Select); coding-DNA position 325, G replaced by A.
Protein change: p.Glu109Lys; replaces glutamic acid 109 with lysine.
Molecular consequence: missense variant.
Genome position (GRCh38, 1-based): chr11:69,810,700, C>T on the plus strand (G>A on the coding strand, the complement: FGF3 is on the minus strand). VCF-style: chr11-69810700-C-T. GRCh37 (hg19) VCF-style: chr11-69625468-C-T.
Other names: short protein forms E109K.
Identifiers: ClinVar variation 4530817 (VCV004530817.2).